The following is an entry in ClinVar:

NM_000303.3(PMM2):c.-35A>T

Gene: PMM2 (phosphomannomutase 2; plus strand). Cytogenetic location: 16p13.2.
Variant type: single nucleotide variant.
Coding change: c.-35A>T on transcript NM_000303.3 (MANE Select); 35 bases upstream of the start codon, A replaced by T.
Molecular consequence: 5 prime UTR variant.
Genome position (GRCh38, 1-based): chr16:8,797,848, A>T. VCF-style: chr16-8797848-A-T. GRCh37 (hg19) VCF-style: chr16-8891705-A-T.
Identifiers: ClinVar variation 515627 (VCV000515627.1), dbSNP rs766596446, ClinGen allele CA658798538.

ClinVar aggregate classification (germline): Likely benign (1 of 4 stars; one submission).

Allele frequency attached by ClinVar (database versions not stated): TOPMed 0.00001.
gnomAD v4.1: 7 of 1,606,102 alleles (0.00044%); highest among the groups gnomAD compares: Non-Finnish European, 0.00059%; no homozygotes.

Submission:

GeneDx
Classification: Likely benign. Last evaluated: 2018-03-01. Review status: criteria provided, single submitter. Criteria: GeneDx Variant Classification (06012015). Collection method: clinical testing. Allele origin: germline. Affected: yes.
Comment: This variant is considered likely benign or benign based on one or more of the following criteria: it is a conservative change, it occurs at a poorly conserved position in the protein, it is predicted to be benign by multiple in silico algorithms, and/or has population frequency not consistent with disease.